The following is an entry in ClinVar:

NM_007214.5(SEC63):c.779A>G (p.Tyr260Cys)

Gene: SEC63 (SEC63 homolog, protein translocation regulator; minus strand). Cytogenetic location: 6q21.
Variant type: single nucleotide variant.
Coding change: c.779A>G on transcript NM_007214.5 (MANE Select); coding-DNA position 779, A replaced by G.
Protein change: p.Tyr260Cys; replaces tyrosine 260 with cysteine.
Molecular consequence: missense variant.
Genome position (GRCh38, 1-based): chr6:107,906,732, T>C on the plus strand (A>G on the coding strand, the complement: SEC63 is on the minus strand). VCF-style: chr6-107906732-T-C. GRCh37 (hg19) VCF-style: chr6-108227936-T-C.
Other names: short protein forms Y260C.
Identifiers: ClinVar variation 3255053 (VCV003255053.1), dbSNP rs762097086.

ClinVar aggregate classification (germline): Uncertain significance (1 of 4 stars; one submission).

Conditions:
Polycystic liver disease 2 (PCLD2). Also called: Polycystic liver disease 2 with or without kidney cysts. Identifiers: Orphanet 2924, MedGen C4310769, MONDO:0014860, OMIM 617004.

Allele frequency attached by ClinVar (database versions not stated): TOPMed 0.00001; gnomAD exomes 0.00001; ExAC 0.00001.
gnomAD v4.1: 13 of 1,614,060 alleles (0.00081%); highest among the groups gnomAD compares: Middle Eastern, 0.033%; no homozygotes.

Submission:

Victorian Clinical Genetics Services, Murdoch Childrens Research Institute
Classification: Uncertain significance for Polycystic liver disease 2. Last evaluated: 2023-12-21. Review status: criteria provided, single submitter. Criteria: ACMG Guidelines, 2015. Collection method: clinical testing. Allele origin: germline. Inheritance: Autosomal dominant inheritance. Affected: yes.
Comment: Based on the classification scheme VCGS_Germline_v1.3.4, this variant is classified as VUS-3B. Following criteria are met: 0102 - Loss of function is a known mechanism of disease in this gene and is associated with polycystic liver disease 2 (MIM#617004). (I) 0107 - This gene is associated with autosomal dominant disease. (I) 0115 - Variants in this gene are known to have variable expressivity, with variable severity reported (PMID: 20095989). (I) 0200 - Variant is predicted to result in a missense amino acid change from tyrosine to cysteine. (I) 0251 - This variant is heterozygous. (I) 0302 - Variant is present in gnomAD (v2) <0.001 for a dominant condition (3 heterozygotes, 0 homozygotes). (SP) 0309 - An alternative amino acid change at the same position has been observed in gnomAD (v2) (2 heterozygotes, 0 homozygotes). (I) 0502 - Missense variant with conflicting in silico predictions and uninformative conservation. (I) 0600 - Variant is located in the annotated SEC63 family domain (DECIPHER). (I) 0705 - No comparable missense variants have previous evidence for pathogenicity. (I) 0807 - This variant has no previous evidence of pathogenicity. (I) 0905 - No published segregation evidence has been identified for this variant. (I) 1007 - No published functional evidence has been identified for this variant. (I) 1208 - Inheritance information for this variant is not currently available in this individual. (I) Legend: (SP) - Supporting pathogenic, (I) - Information, (SB) - Supporting benign

Literature cited by the submitters: PubMed 20095989.